The following is an entry in ClinVar:

ClinVar aggregate classification (germline): Pathogenic/Likely pathogenic. Review status: criteria provided, multiple submitters, no conflicts (2 of 4 stars). 2 submissions from 2 submitters: Pathogenic (1); Likely pathogenic (1). Last evaluated 2025-06-01.

Conditions:
X-linked severe combined immunodeficiency (SCIDX1). Also called: IMMUNODEFICIENCY 4; SCID, X-LINKED; SEVERE COMBINED IMMUNODEFICIENCY, X-LINKED, T CELL-NEGATIVE, B CELL-POSITIVE, NK CELL-NEGATIVE; X-Linked Combined Immunodeficiency Diseases; T-B+ severe combined immunodeficiency due to gamma chain deficiency. Identifiers: Orphanet 276, MedGen C6022468, MONDO:0010315, OMIM 300400. Disease mechanism: loss of function.
Combined immunodeficiency, X-linked (CIDX). Also called: IMMUNODEFICIENCY 6. Identifiers: MedGen C6022467, MONDO:0010730, OMIM 312863.

Submissions (2):

Labcorp Genetics (formerly Invitae), Labcorp
Classification: Pathogenic for X-linked severe combined immunodeficiency. Last evaluated: 2025-06-01. Review status: criteria provided, single submitter. Criteria: Invitae Variant Classification Sherloc (09022015). Collection method: clinical testing. Allele origin: germline.
Comment: This sequence change creates a premature translational stop signal (p.Glu171*) in the IL2RG gene. It is expected to result in an absent or disrupted protein product. Loss-of-function variants in IL2RG are known to be pathogenic (PMID: 9058718, 10794430). This variant is not present in population databases (gnomAD no frequency). This premature translational stop signal has been observed in individual(s) with IL2RG-related conditions (PMID: 35303369). ClinVar contains an entry for this variant (Variation ID: 3242265). Algorithms developed to predict the effect of sequence changes on RNA splicing suggest that this variant may disrupt the consensus splice site. For these reasons, this variant has been classified as Pathogenic.

Foundation for Research in Genetics and Endocrinology, FRIGE's Institute of Human Genetics
Classification: Likely pathogenic for Combined immunodeficiency, X-linked. Last evaluated: 2024-06-13. Review status: criteria provided, single submitter. Criteria: ACMG Guidelines, 2015. Collection method: clinical testing. Allele origin: germline. Inheritance: X-linked inheritance. Affected: yes. Observed: 1 hemizygote.
Comment: A hemizygous missense variant in exon 4 of the IL2RG gene that results in a stop codon and premature truncation of the protein at codon 171 (p.Glu171Ter) was detected. This variant has not been reported in the 1000 genomes and gnomAD databases. The reference codon is conserved across species. In summary the variant meets our criteria to be classified as likely pathogenic.

Literature cited by the submitters: PubMed 9058718 (cited by Labcorp Genetics (formerly Invitae), Labcorp); PubMed 10794430 (cited by Labcorp Genetics (formerly Invitae), Labcorp); PubMed 35303369 (cited by Labcorp Genetics (formerly Invitae), Labcorp).

NM_000206.3(IL2RG):c.511G>T (p.Glu171Ter)

Gene: IL2RG (interleukin 2 receptor subunit gamma; minus strand). Cytogenetic location: Xq13.1.
Variant type: single nucleotide variant.
Coding change: c.511G>T on transcript NM_000206.3 (MANE Select); coding-DNA position 511, G replaced by T.
Protein change: p.Glu171Ter; replaces glutamic acid 171 with a stop codon.
Molecular consequence: nonsense.
Genome position (GRCh38, 1-based): chrX:71,110,239, C>A on the plus strand (G>T on the coding strand, the complement: IL2RG is on the minus strand). VCF-style: chrX-71110239-C-A. GRCh37 (hg19) VCF-style: chrX-70330089-C-A.
Other names: p.Glu171Ter; short protein forms E171*.
Identifiers: ClinVar variation 3242265 (VCV003242265.3), dbSNP rs763359860.